The following is an entry in ClinVar:

NM_001382391.1(CSPP1):c.2391+4C>T

Gene: CSPP1 (centrosome and spindle pole associated protein 1; plus strand). Cytogenetic location: 8q13.2.
Variant type: single nucleotide variant.
Coding change: c.2391+4C>T on transcript NM_001382391.1 (MANE Select); 4 bases into the intron after coding-DNA position 2391, C replaced by T.
Molecular consequence: intron variant.
Genome position (GRCh38, 1-based): chr8:67,158,600, C>T. VCF-style: chr8-67158600-C-T. GRCh37 (hg19) VCF-style: chr8-68070835-C-T.
Other names: c.2196+4C>T (NM_001363132.2); c.2310+4C>T (NM_001363131.2); c.2115+4C>T (NM_001363133.2); c.2457+4C>T (NM_001364869.1); c.2376+4C>T (NM_024790.7, NM_001438331.1); c.2223+4C>T (NM_001438330.1); c.2277+4C>T (NM_001364870.1); c.1692+4C>T (NM_001438332.1); and 1 more.
Identifiers: ClinVar variation 2169744 (VCV002169744.4), dbSNP rs1386044696, ClinGen allele CA854491817.
Genomic context (GRCh38, chr8:67,158,600, plus strand): 5'-CGAATTCAGCAGGAGTATGAAGAGGAACAGGAAAAGAAAAGAGAGAAAGAGGAGGAGGTA[C>T]ATCTTTTTTCCCTATTGTATTTTACTACTTAGTCTGAAGGTGAAATCTTTGACTTGAAAA-3'

ClinVar aggregate classification (germline): Uncertain significance (1 of 4 stars; one submission).

Conditions:
Joubert syndrome 21 (JBTS21). Identifiers: MedGen C3810212, MONDO:0014288, OMIM 615636.

Allele frequency attached by ClinVar (database versions not stated): gnomAD exomes below 0.00001; TOPMed 0.00001.
gnomAD v4.1: 4 of 1,574,930 alleles (0.00025%); highest among the groups gnomAD compares: South Asian, 0.0012%; no homozygotes.

Submission:

Labcorp Genetics (formerly Invitae), Labcorp
Classification: Uncertain significance for Joubert syndrome 21. Last evaluated: 2022-05-31. Review status: criteria provided, single submitter. Criteria: Invitae Variant Classification Sherloc (09022015). Collection method: clinical testing. Allele origin: germline.
Comment: This sequence change falls in intron 18 of the CSPP1 gene. It does not directly change the encoded amino acid sequence of the CSPP1 protein. It affects a nucleotide within the consensus splice site. This variant is not present in population databases (gnomAD no frequency). This variant has not been reported in the literature in individuals affected with CSPP1-related conditions. Variants that disrupt the consensus splice site are a relatively common cause of aberrant splicing (PMID: 17576681, 9536098). Algorithms developed to predict the effect of sequence changes on RNA splicing suggest that this variant is not likely to affect RNA splicing. In summary, the available evidence is currently insufficient to determine the role of this variant in disease. Therefore, it has been classified as a Variant of Uncertain Significance.

Literature cited by the submitters: PubMed 17576681; PubMed 9536098.